The following is an entry in ClinVar:

ClinVar aggregate classification (germline): Conflicting classifications of pathogenicity. Review status: criteria provided, conflicting classifications (1 of 4 stars). 3 submissions from 3 submitters: Likely pathogenic (1); Uncertain significance (2). Last evaluated 2024-04-13.

Conditions:
Infantile neuroaxonal dystrophy (NBIA2A). Also called: NEURODEGENERATION WITH BRAIN IRON ACCUMULATION 2A; SEITELBERGER DISEASE; Infantile neuroaxonal dystrophy 1. Identifiers: Orphanet 35069, MedGen C0270724, MONDO:0024457, OMIM 256600.
PLA2G6-associated neurodegeneration (PLAN). Also called: phospholipase A2-associated neurodegeneration. Identifiers: Orphanet 329303, MedGen CN204472, MONDO:0017998.

Allele frequency attached by ClinVar (database versions not stated): 1000 Genomes Project 30x 0.00016; 1000 Genomes Project 0.00040; gnomAD 0.00003; ExAC 0.00005; ESP Exome Variant Server 0.00008; TOPMed 0.00001.
gnomAD v4.1: 10 of 1,549,946 alleles (0.00065%); highest among the groups gnomAD compares: African/African-American, 0.0014%; no homozygotes.

Submissions (3):

Women's Health and Genetics/Laboratory Corporation of America, LabCorp
Classification: Uncertain significance. Last evaluated: 2024-04-13. Review status: criteria provided, single submitter. Criteria: LabCorp Variant Classification Summary - May 2015. Collection method: clinical testing. Allele origin: germline.
Comment: Variant summary: PLA2G6 c.1547C>T (p.Ala516Val) results in a non-conservative amino acid change located in the Patatin-like phospholipase domain (IPR002641) of the encoded protein sequence. Four of five in-silico tools predict a damaging effect of the variant on protein function. The variant allele was found at a frequency of 1.3e-05 in 157150 control chromosomes. c.1547C>T has been reported in the literature as a homozygous genotype in at-least one individual affected with features of dystonia-parkinsonism (Malaguti_2015), as a homozygous genotype in cis with another variant, c.1471C>T (p.Leu491Phe) (pathogenicity unknown) in another individual with features of infantile neuroaxonal dystrophy (INAD) (Kapoor_2016) and in another report of a conflicting genotype reportedly compound heterozygous with c.1471C>T (p.Leu491Phe) in an individual with features of atypical late-onset neuroaxonal dystrophy (ANAD) (Bharadwaj_2021). Additionally, It has also been reported as a non-informative genotype (second allele and phase not clearly specified) and/or as a VUS in settings of Parkinsons Disease (PD) (Daida_2021) and Dystonia (Wu_2021). These data indicate that the variant may be associated with disease. To our knowledge, no experimental evidence demonstrating an impact on protein function has been reported. The following publications have been ascertained in the context of this evaluation (PMID: 34272103, 32771225, 27196560, 34622992, 25601130, 35041927). ClinVar contains an entry for this variant (Variation ID: 2138449). Based on the evidence outlined above, the variant was classified as VUS-possibly pathogenic.

Labcorp Genetics (formerly Invitae), Labcorp
Classification: Likely pathogenic for Infantile neuroaxonal dystrophy. Last evaluated: 2023-10-22. Review status: criteria provided, single submitter. Criteria: Invitae Variant Classification Sherloc (09022015). Collection method: clinical testing. Allele origin: germline.
Comment: This sequence change replaces alanine, which is neutral and non-polar, with valine, which is neutral and non-polar, at codon 516 of the PLA2G6 protein (p.Ala516Val). The frequency data for this variant in the population databases is considered unreliable, as metrics indicate poor data quality at this position in the gnomAD database. This missense change has been observed in individuals with PLA2G6-related conditions (PMID: 25601130, 27196560, 32771225, 34272103). ClinVar contains an entry for this variant (Variation ID: 2138449). Advanced modeling of protein sequence and biophysical properties (such as structural, functional, and spatial information, amino acid conservation, physicochemical variation, residue mobility, and thermodynamic stability) performed at Invitae indicates that this missense variant is not expected to disrupt PLA2G6 protein function. In summary, the currently available evidence indicates that the variant is pathogenic, but additional data are needed to prove that conclusively. Therefore, this variant has been classified as Likely Pathogenic.

Broad Center for Mendelian Genomics, Broad Institute of MIT and Harvard
Classification: Uncertain significance for PLA2G6-associated neurodegeneration. Last evaluated: 2023-01-24. Review status: criteria provided, single submitter. Criteria: ACMG Guidelines, 2015. Collection method: curation. Allele origin: germline. Inheritance: Autosomal recessive inheritance.
Comment: The p.Ala516Val variant in PLA2G6 has been reported in 4 individuals with PLA2G6-associated neurodegeneration (PMID: 25601130, 27196560, 34272103, 32771225) and has been identified in 0.001% (1/8806) of African/African-American chromosomes by the Genome Aggregation Database (gnomAD; dbSNP ID: rs151108668). Although this variant has been seen in the general population in a heterozygous state, its frequency is low enough to be consistent with a recessive carrier frequency. Of the 4 affected individuals, 1 of those was a homozygote, which increases the likelihood that the p.Ala516Val variant is pathogenic (PMID: 25601130). Computational prediction tools and conservation analyses suggest that this variant may impact the protein, though this information is not predictive enough to determine pathogenicity. In summary, the clinical significance of the p.Ala516Val variant is uncertain. ACMG/AMP Criteria applied: PP3, PM3_supporting (Richards 2015).

Literature cited by the submitters: PubMed 27196560 (cited by Women's Health and Genetics/Laboratory Corporation of America, LabCorp and Labcorp Genetics (formerly Invitae), Labcorp); PubMed 34622992 (cited by Women's Health and Genetics/Laboratory Corporation of America, LabCorp); PubMed 34272103 (cited by Women's Health and Genetics/Laboratory Corporation of America, LabCorp and Labcorp Genetics (formerly Invitae), Labcorp); PubMed 35041927 (cited by Women's Health and Genetics/Laboratory Corporation of America, LabCorp); PubMed 32771225 (cited by Women's Health and Genetics/Laboratory Corporation of America, LabCorp and Labcorp Genetics (formerly Invitae), Labcorp); PubMed 25601130 (cited by Women's Health and Genetics/Laboratory Corporation of America, LabCorp and Labcorp Genetics (formerly Invitae), Labcorp).

NM_003560.4(PLA2G6):c.1547C>T (p.Ala516Val)

Gene: PLA2G6 (phospholipase A2 group VI; minus strand). Cytogenetic location: 22q13.1.
Variant type: single nucleotide variant.
Coding change: c.1547C>T on transcript NM_003560.4 (MANE Select); coding-DNA position 1547, C replaced by T.
Protein change: p.Ala516Val; replaces alanine 516 with valine.
Molecular consequence: missense variant.
Genome position (GRCh38, 1-based): chr22:38,123,139, G>A on the plus strand (C>T on the coding strand, the complement: PLA2G6 is on the minus strand). VCF-style: chr22-38123139-G-A. GRCh37 (hg19) VCF-style: chr22-38519146-G-A.
Other names: NM_001004426.3:c.1385C>T; c.1547C>T (NM_003560.2); c.1385C>T, p.Ala462Val (NM_001004426.3, NM_001199562.3, NM_001349865.2 and 1 more transcripts); c.1547C>T, p.Ala516Val (NM_001349864.2); c.1013C>T, p.Ala338Val (NM_001349867.2); c.869C>T, p.Ala290Val (NM_001349868.2); c.851C>T, p.Ala284Val (NM_001349869.2); short protein forms A284V, A290V, A338V, A462V, A516V.
Identifiers: ClinVar variation 2138449 (VCV002138449.6), dbSNP rs151108668, ClinGen allele CA10230813.